The following is an entry in ClinVar:

ClinVar aggregate classification (germline): Pathogenic/Likely pathogenic. Review status: criteria provided, multiple submitters, no conflicts (2 of 4 stars). 3 submissions from 3 submitters: Pathogenic (2); Likely pathogenic (1). Last evaluated 2024-11-23.

Conditions:
Alpha-N-acetylgalactosaminidase deficiency. Identifiers: Orphanet 3137, MedGen C5848084, MONDO:0017779.
Alpha-N-acetylgalactosaminidase deficiency type 2. Also called: ALPHA-N-ACETYLGALACTOSAMINIDASE DEFICIENCY, TYPE II; NAGA DEFICIENCY, TYPE II; SCHINDLER DISEASE, TYPE II. Identifiers: Orphanet 3137, Orphanet 79280, MedGen C1836522, MONDO:0012222, OMIM 609242.
Alpha-N-acetylgalactosaminidase deficiency type 1. Also called: SCHINDLER DISEASE, TYPE I; ALPHA-N-ACETYLGALACTOSAMINIDASE DEFICIENCY, TYPE I; NAGA DEFICIENCY, TYPE I; NEUROAXONAL DYSTROPHY, SCHINDLER TYPE. Identifiers: Orphanet 3137, Orphanet 79279, Orphanet 79281, MedGen C1836544, MONDO:0012221, OMIM 609241.

Allele frequency attached by ClinVar (database versions not stated): gnomAD exomes 0.00001; TOPMed 0.00001; ExAC 0.00001.

Submissions (3):

Myriad Genetics, Inc.
Classification: Pathogenic for Alpha-N-acetylgalactosaminidase deficiency. Last evaluated: 2024-11-23. Review status: criteria provided, single submitter. Criteria: Myriad Autosomal Dominant, Autosomal Recessive and X-Linked Classification Criteria (2023). Collection method: clinical testing. Allele origin: unknown.
Comment: NM_000262.2(NAGA):c.157C>T(Q53*) is expected to be pathogenic in the context of NAGA-related disorders. This variant is predicted to lead to an abnormal or absent protein product due to the creation of a premature termination codon in NAGA, a gene where loss-of-function variants are known to be pathogenic. Please note: this variant was assessed in the context of healthy population screening.

Fulgent Genetics
Classification: Likely pathogenic for Alpha-N-acetylgalactosaminidase deficiency type 1; Alpha-N-acetylgalactosaminidase deficiency type 2. Last evaluated: 2024-03-19. Review status: criteria provided, single submitter. Criteria: ACMG Guidelines, 2015. Collection method: clinical testing. Allele origin: germline.

Labcorp Genetics (formerly Invitae), Labcorp
Classification: Pathogenic for Alpha-N-acetylgalactosaminidase deficiency type 1. Last evaluated: 2023-12-19. Review status: criteria provided, single submitter. Criteria: Invitae Variant Classification Sherloc (09022015). Collection method: clinical testing. Allele origin: germline.
Comment: This sequence change creates a premature translational stop signal (p.Gln53*) in the NAGA gene. It is expected to result in an absent or disrupted protein product. Loss-of-function variants in NAGA are known to be pathogenic (PMID: 8782044, 11251574). This variant is present in population databases (rs775099024, gnomAD 0.0009%). This variant has not been reported in the literature in individuals affected with NAGA-related conditions. For these reasons, this variant has been classified as Pathogenic.

Literature cited by the submitters: PubMed 8782044 (cited by Labcorp Genetics (formerly Invitae), Labcorp); PubMed 11251574 (cited by Labcorp Genetics (formerly Invitae), Labcorp).

NM_000262.3(NAGA):c.157C>T (p.Gln53Ter)

Genes: NAGA (alpha-N-acetylgalactosaminidase; minus strand), LOC126863160 (CDK7 strongly-dependent group 2 enhancer GRCh37_chr22:42462918-42464117; plus strand). Cytogenetic location: 22q13.2.
Variant type: single nucleotide variant.
Coding change: c.157C>T on transcript NM_000262.3 (MANE Select); coding-DNA position 157, C replaced by T.
Protein change: p.Gln53Ter; replaces glutamine 53 with a stop codon.
Molecular consequence: nonsense.
Genome position (GRCh38, 1-based): chr22:42,067,932, G>A on the plus strand (C>T on the coding strand, the complement: NAGA is on the minus strand). VCF-style: chr22-42067932-G-A. GRCh37 (hg19) VCF-style: chr22-42463936-G-A.
Other names: c.157C>T, p.Gln53Ter (NM_001362848.1, NM_001362850.1); short protein forms Q53*.
Identifiers: ClinVar variation 3004926 (VCV003004926.5), dbSNP rs775099024, ClinGen allele CA10263912.